The following is an entry in ClinVar:

ClinVar aggregate classification (germline): Uncertain significance (1 of 4 stars; one submission).

Allele frequency attached by ClinVar (database versions not stated): gnomAD 0.00002; ESP Exome Variant Server 0.00008.
gnomAD v4.1: 10 of 1,613,724 alleles (0.00062%); highest among the groups gnomAD compares: Non-Finnish European, 0.00085%; no homozygotes.

Submission:

Labcorp Genetics (formerly Invitae), Labcorp
Classification: Uncertain significance. Last evaluated: 2022-06-11. Review status: criteria provided, single submitter. Criteria: Invitae Variant Classification Sherloc (09022015). Collection method: clinical testing. Allele origin: germline.
Comment: This sequence change replaces proline, which is neutral and non-polar, with threonine, which is neutral and polar, at codon 175 of the TULP1 protein (p.Pro175Thr). This variant is present in population databases (rs372126191, gnomAD 0.002%). This variant has not been reported in the literature in individuals affected with TULP1-related conditions. Algorithms developed to predict the effect of missense changes on protein structure and function are either unavailable or do not agree on the potential impact of this missense change (SIFT: "Not Available"; PolyPhen-2: "Benign"; Align-GVGD: "Not Available"). In summary, the available evidence is currently insufficient to determine the role of this variant in disease. Therefore, it has been classified as a Variant of Uncertain Significance.

NM_003322.6(TULP1):c.523C>A (p.Pro175Thr)

Gene: TULP1 (TUB like protein 1; minus strand). Cytogenetic location: 6p21.31.
Variant type: single nucleotide variant.
Coding change: c.523C>A on transcript NM_003322.6 (MANE Select); coding-DNA position 523, C replaced by A.
Protein change: p.Pro175Thr; replaces proline 175 with threonine.
Molecular consequence: missense variant.
Genome position (GRCh38, 1-based): chr6:35,509,905, G>T on the plus strand (C>A on the coding strand, the complement: TULP1 is on the minus strand). VCF-style: chr6-35509905-G-T. GRCh37 (hg19) VCF-style: chr6-35477682-G-T.
Other names: c.364C>A, p.Pro122Thr (NM_001289395.2); short protein forms P175T, P122T.
Identifiers: ClinVar variation 2039946 (VCV002039946.1), dbSNP rs372126191, ClinGen allele CA3772890.
Genomic context (GRCh38, chr6:35,509,905, plus strand): 5'-TCATCTTGGTCCCCTCCCCTGCTGGAGCTTCCTTATTCCTAACACGCAGAGGTTTCGGTG[G>T]GGGGTCAGGGCTTCCCAGGTCTCCTGGAAATGGAAGATGGGGGTCAGGCAAAGAAGGTGT-3'
Protein context (NP_003313.3, residues 165-185): PRGDLGSPDP[Pro175Thr]PKPLRVRNKE